The following is an entry in ClinVar:

NM_001365999.1(SZT2):c.479T>C (p.Ile160Thr)

Gene: SZT2 (SZT2 subunit of KICSTOR complex; plus strand). Cytogenetic location: 1p34.2.
Variant type: single nucleotide variant.
Coding change: c.479T>C on transcript NM_001365999.1 (MANE Select); coding-DNA position 479, T replaced by C.
Protein change: p.Ile160Thr; replaces isoleucine 160 with threonine.
Molecular consequence: missense variant.
Genome position (GRCh38, 1-based): chr1:43,404,531, T>C. VCF-style: chr1-43404531-T-C. GRCh37 (hg19) VCF-style: chr1-43870202-T-C.
Other names: c.479T>C, p.Ile160Thr (NM_015284.4); short protein forms I160T.
Identifiers: ClinVar variation 862280 (VCV000862280.9), dbSNP rs776845092, ClinGen allele CA808177.

ClinVar aggregate classification (germline): Uncertain significance. Review status: criteria provided, multiple submitters, no conflicts (2 of 4 stars). 3 submissions from 3 submitters: Uncertain significance (3). Last evaluated 2025-08-12.

Conditions:
Inborn genetic diseases. Identifiers: MedGen C0950123, MeSH D030342.
Developmental and epileptic encephalopathy, 18 (DEE18). Also called: Early infantile epileptic encephalopathy 18. Identifiers: Orphanet 369894, MedGen C3809624, MONDO:0014201, OMIM 615476.

Allele frequency attached by ClinVar (database versions not stated): gnomAD 0.00001; gnomAD exomes 0.00001 and 0.00002; TOPMed 0.00001; ExAC 0.00001.

Submissions (3):

Ambry Genetics
Classification: Uncertain significance for Inborn genetic diseases. Last evaluated: 2025-08-12. Review status: criteria provided, single submitter. Criteria: Ambry Variant Classification Scheme 2023. Collection method: clinical testing. Allele origin: germline.

Labcorp Genetics (formerly Invitae), Labcorp
Classification: Uncertain significance. Last evaluated: 2024-06-10. Review status: criteria provided, single submitter. Criteria: Invitae Variant Classification Sherloc (09022015). Collection method: clinical testing. Allele origin: germline.
Comment: This sequence change replaces isoleucine, which is neutral and non-polar, with threonine, which is neutral and polar, at codon 160 of the SZT2 protein (p.Ile160Thr). This variant is present in population databases (rs776845092, gnomAD 0.003%). This variant has not been reported in the literature in individuals affected with SZT2-related conditions. ClinVar contains an entry for this variant (Variation ID: 862280). Advanced modeling of protein sequence and biophysical properties (such as structural, functional, and spatial information, amino acid conservation, physicochemical variation, residue mobility, and thermodynamic stability) has been performed at Invitae for this missense variant, however the output from this modeling did not meet the statistical confidence thresholds required to predict the impact of this variant on SZT2 protein function. In summary, the available evidence is currently insufficient to determine the role of this variant in disease. Therefore, it has been classified as a Variant of Uncertain Significance.

Genome-Nilou Lab
Classification: Uncertain significance for Developmental and epileptic encephalopathy, 18. Last evaluated: 2023-04-11. Review status: criteria provided, single submitter. Criteria: ACMG Guidelines, 2015. Collection method: clinical testing. Allele origin: germline. Affected: no.